The following is an entry in ClinVar:

NM_004168.4(SDHA):c.1260+3G>T

Gene: SDHA (succinate dehydrogenase complex flavoprotein subunit A; plus strand). Cytogenetic location: 5p15.33.
Variant type: single nucleotide variant.
Coding change: c.1260+3G>T on transcript NM_004168.4 (MANE Select); 3 bases into the intron after coding-DNA position 1260, G replaced by T.
Molecular consequence: intron variant.
Genome position (GRCh38, 1-based): chr5:235,342, G>T. VCF-style: chr5-235342-G-T. GRCh37 (hg19) VCF-style: chr5-235457-G-T.
Other names: c.1260+3G>T (NM_001330758.2); c.1116+3G>T (NM_001294332.2).
Identifiers: ClinVar variation 1061732 (VCV001061732.7), dbSNP rs2126585827, ClinGen allele CA2499217822.
Genomic context (GRCh38, chr5:235,342, plus strand): 5'-TGTCCTCCCCACCGTGCATTATAACATGGGCGGCATTCCCACCAACTACAAGGGGCAGGT[G>T]ATGGTGCTGGCTCCTCCCCCACAGCTGGAAAGAAGGCTGGGACGACGGGGCCCACCTCGC-3'

ClinVar aggregate classification (germline): Uncertain significance (1 of 4 stars; one submission).

Conditions:
Mitochondrial complex II deficiency, nuclear type 1. Also called: SUCCINATE CoQ REDUCTASE DEFICIENCY. Identifiers: Orphanet 3208, MedGen C5700310, MONDO:0100294, OMIM 252011.
Pheochromocytoma/paraganglioma syndrome 5. Also called: Paragangliomas 5; SDHA-Related Hereditary Paraganglioma-Pheochromocytoma Syndrome. Identifiers: Orphanet 29072, MedGen C3279992, MONDO:0013602, OMIM 614165.

Allele frequency attached by ClinVar (database versions not stated): gnomAD exomes below 0.00001.
gnomAD v4.1: 1 of 1,614,168 alleles (0.000062%); highest among the groups gnomAD compares: Non-Finnish European, 0.000085%; no homozygotes.

Submission:

Labcorp Genetics (formerly Invitae), Labcorp
Classification: Uncertain significance for Pheochromocytoma/paraganglioma syndrome 5; Mitochondrial complex II deficiency, nuclear type 1. Last evaluated: 2025-10-14. Review status: criteria provided, single submitter. Criteria: Invitae Variant Classification Sherloc (09022015). Collection method: clinical testing. Allele origin: germline.
Comment: This sequence change falls in intron 9 of the SDHA gene. It does not directly change the encoded amino acid sequence of the SDHA protein. It affects a nucleotide within the consensus splice site. This variant is not present in population databases (gnomAD no frequency). This variant has not been reported in the literature in individuals affected with SDHA-related conditions. ClinVar contains an entry for this variant (Variation ID: 1061732). Variants that disrupt the consensus splice site are a relatively common cause of aberrant splicing (PMID: 17576681, 9536098). Studies have shown that this variant is associated with inconclusive levels of altered splicing (internal data). In summary, the available evidence is currently insufficient to determine the role of this variant in disease. Therefore, it has been classified as a Variant of Uncertain Significance.

Literature cited by the submitters: PubMed 17576681; PubMed 9536098.